The following is an entry in ClinVar:

NM_002470.4(MYH3):c.3472A>C (p.Thr1158Pro)

Gene: MYH3 (myosin heavy chain 3; minus strand). Cytogenetic location: 17p13.1.
Variant type: single nucleotide variant.
Coding change: c.3472A>C on transcript NM_002470.4 (MANE Select); coding-DNA position 3472, A replaced by C.
Protein change: p.Thr1158Pro; replaces threonine 1158 with proline.
Molecular consequence: missense variant.
Genome position (GRCh38, 1-based): chr17:10,638,300, T>G on the plus strand (A>C on the coding strand, the complement: MYH3 is on the minus strand). VCF-style: chr17-10638300-T-G. GRCh37 (hg19) VCF-style: chr17-10541617-T-G.
Other names: short protein forms T1158P.
Identifiers: ClinVar variation 3367105 (VCV003367105.1).

ClinVar aggregate classification (germline): Uncertain significance (1 of 4 stars; one submission).

Conditions:
Contractures, pterygia, and variable skeletal fusions syndrome 1B. Also called: CONTRACTURES, PTERYGIA, AND SPONDYLOCARPOTARSAL FUSION SYNDROME 1B. Identifiers: MedGen C5193114, MONDO:0020746, OMIM 618469.

Submission:

Neuberg Centre For Genomic Medicine, NCGM
Classification: Uncertain significance for Contractures, pterygia, and variable skeletal fusions syndrome 1B. Last evaluated: 2023-05-20. Review status: criteria provided, single submitter. Criteria: ACMG Guidelines, 2015. Collection method: clinical testing. Allele origin: germline. Inheritance: Autosomal recessive inheritance. Affected: yes.
Comment: The missense variant c.3472A>C(p.Thr1158Pro) in MYH3 gene has not been reported previously as a pathogenic variant nor as a benign variant, to our knowledge. The observed variant is absent in gnomAD exomes database. This variant has not been submitted to the ClinVar database. Multiple lines of computational evidence (Polyphen - probably damaging , SIFT - damaging and MutationTaster - disease causing) predict a damaging effect on protein structure and function for this variant. The amino acid change p.Thr1158Pro in MYH3 is predicted as conserved by GERP++ and PhyloP across 100 vertebrates. The amino acid Thr at position 1158 is changed to a Pro changing protein sequence and it might alter its composition and physico-chemical properties. For these reasons, this variant has been classified as Uncertain Significance (VUS).